The following is an entry in ClinVar:

NM_000038.6(APC):c.6611G>A (p.Arg2204Gln)

Gene: APC (APC regulator of Wnt signaling pathway; plus strand). Cytogenetic location: 5q22.2.
Variant type: single nucleotide variant.
Coding change: c.6611G>A on transcript NM_000038.6 (MANE Select); coding-DNA position 6611, G replaced by A.
Protein change: p.Arg2204Gln; replaces arginine 2204 with glutamine.
Molecular consequence: missense variant.
Genome position (GRCh38, 1-based): chr5:112,842,205, G>A. VCF-style: chr5-112842205-G-A. GRCh37 (hg19) VCF-style: chr5-112177902-G-A.
Other names: c.6611G>A, p.Arg2204Gln (NM_001127510.3, NM_001354895.2); c.6557G>A, p.Arg2186Gln (NM_001127511.3); c.6665G>A, p.Arg2222Gln (NM_001354896.2); c.6641G>A, p.Arg2214Gln (NM_001354897.2); c.6536G>A, p.Arg2179Gln (NM_001354898.2); c.6527G>A, p.Arg2176Gln (NM_001354899.2); c.6488G>A, p.Arg2163Gln (NM_001354900.2); c.6434G>A, p.Arg2145Gln (NM_001354901.2); and 5 more; short protein forms R2103Q, R2145Q, R2204Q, R2214Q, R2044Q, R2078Q, R2179Q, R2163Q.
Identifiers: ClinVar variation 826512 (VCV000826512.22), dbSNP rs1554087570, ClinGen allele CA16035793.

ClinVar aggregate classification (germline): Uncertain significance. Review status: criteria provided, multiple submitters, no conflicts (2 of 4 stars). 6 submissions from 6 submitters: Uncertain significance (6). Last evaluated 2025-09-20.

Conditions:
Classic or attenuated familial adenomatous polyposis. Identifiers: MedGen CN372698, MONDO:0021057.
Familial adenomatous polyposis 1 (FAP1). Also called: POLYPOSIS, ADENOMATOUS INTESTINAL; FAMILIAL ADENOMATOUS POLYPOSIS 1, ATTENUATED. Identifiers: MedGen C2713442, MONDO:0021056, OMIM 175100. Disease mechanism: loss of function.
Hereditary cancer-predisposing syndrome. Also called: Neoplastic Syndromes, Hereditary; Tumor predisposition; Hereditary neoplastic syndrome; Hereditary Cancer Syndrome. Identifiers: Orphanet 140162, MedGen C0027672, MeSH D009386, MONDO:0015356.

Allele frequency attached by ClinVar (database versions not stated): TOPMed below 0.00001.
gnomAD v4.1: 2 of 1,613,326 alleles (0.00012%); highest among the groups gnomAD compares: African/African-American, 0.0013%; no homozygotes.

Submissions (6):

Ambry Genetics
Classification: Uncertain significance for Hereditary cancer-predisposing syndrome. Last evaluated: 2025-09-20. Review status: criteria provided, single submitter. Criteria: Ambry Variant Classification Scheme 2023. Collection method: clinical testing. Allele origin: germline.
Comment: The p.R2204Q variant (also known as c.6611G>A), located in coding exon 15 of the APC gene, results from a G to A substitution at nucleotide position 6611. The arginine at codon 2204 is replaced by glutamine, an amino acid with highly similar properties. This amino acid position is well conserved in available vertebrate species. In addition, in silico predictors for this gene do not accurately predict pathogenicity. Since supporting evidence is limited at this time, the clinical significance of this alteration remains unclear.

Labcorp Genetics (formerly Invitae), Labcorp
Classification: Uncertain significance for Familial adenomatous polyposis 1. Last evaluated: 2024-08-21. Review status: criteria provided, single submitter. Criteria: Invitae Variant Classification Sherloc (09022015). Collection method: clinical testing. Allele origin: germline.
Comment: This sequence change replaces arginine, which is basic and polar, with glutamine, which is neutral and polar, at codon 2204 of the APC protein (p.Arg2204Gln). This variant is not present in population databases (gnomAD no frequency). This variant has not been reported in the literature in individuals affected with APC-related conditions. ClinVar contains an entry for this variant (Variation ID: 826512). Invitae Evidence Modeling of protein sequence and biophysical properties (such as structural, functional, and spatial information, amino acid conservation, physicochemical variation, residue mobility, and thermodynamic stability) indicates that this missense variant is not expected to disrupt APC protein function with a negative predictive value of 95%. In summary, the available evidence is currently insufficient to determine the role of this variant in disease. Therefore, it has been classified as a Variant of Uncertain Significance.

Color Diagnostics, LLC DBA Color Health
Classification: Uncertain significance for Hereditary cancer-predisposing syndrome. Last evaluated: 2024-03-06. Review status: criteria provided, single submitter. Criteria: ACMG Guidelines, 2015. Collection method: clinical testing. Allele origin: germline.
Comment: This missense variant replaces arginine with glutamine at codon 2204 of the APC protein. Computational prediction suggests that this variant may not impact protein structure and function (internally defined REVEL score threshold <= 0.5, PMID: 27666373). To our knowledge, functional studies have not been reported for this variant. This variant has not been reported in individuals affected with APC-related disorders in the literature. This variant has not been identified in the general population by the Genome Aggregation Database (gnomAD). The available evidence is insufficient to determine the role of this variant in disease conclusively. Therefore, this variant is classified as a Variant of Uncertain Significance.

Baylor Genetics
Classification: Uncertain significance for Familial adenomatous polyposis 1. Last evaluated: 2023-10-02. Review status: criteria provided, single submitter. Criteria: ACMG Guidelines, 2015. Collection method: clinical testing. Allele origin: unknown.

All of Us Research Program, National Institutes of Health
Classification: Uncertain significance for Classic or attenuated familial adenomatous polyposis. Last evaluated: 2023-09-17. Review status: criteria provided, single submitter. Criteria: ACMG Guidelines, 2015. Collection method: clinical testing. Allele origin: germline. Inheritance: Autosomal dominant inheritance. Observed: 2 variant alleles, 2 heterozygotes.
Comment: This missense variant replaces arginine with glutamine at codon 2204 of the APC protein. Computational prediction suggests that this variant may not impact protein structure and function (internally defined REVEL score threshold <= 0.5, PMID: 27666373). To our knowledge, functional studies have not been reported for this variant. This variant has not been reported in individuals affected with APC-related disorders in the literature. This variant has not been identified in the general population by the Genome Aggregation Database (gnomAD). The available evidence is insufficient to determine the role of this variant in disease conclusively. Therefore, this variant is classified as a Variant of Uncertain Significance.

This study involves interpretation of variants in research participants for the purpose of population health screening. Participant phenotype was not available at the time of variant classification. Additional details can be found in publication PMID: 35346344, PMCID: PMC8962531

GeneDx
Classification: Uncertain significance. Last evaluated: 2023-02-02. Review status: criteria provided, single submitter. Criteria: GeneDx Variant Classification Process June 2021. Collection method: clinical testing. Allele origin: germline. Affected: yes.
Comment: Not observed at significant frequency in large population cohorts (gnomAD); In silico analysis supports that this missense variant does not alter protein structure/function; Has not been previously published as pathogenic or benign to our knowledge; This variant is associated with the following publications: (PMID: 18199528)